The following is an entry in ClinVar:

ClinVar aggregate classification (germline): Uncertain significance (1 of 4 stars; one submission).

Conditions:
Developmental and epileptic encephalopathy. Identifiers: MedGen C5779964, MONDO:0100620.

Allele frequency attached by ClinVar (database versions not stated): gnomAD exomes 0.00003.
gnomAD v4.1: 40 of 1,611,848 alleles (0.0025%); highest among the groups gnomAD compares: Non-Finnish European, 0.0034%; no homozygotes.

Submission:

Labcorp Genetics (formerly Invitae), Labcorp
Classification: Uncertain significance for Early-infantile DEE. Last evaluated: 2022-02-03. Review status: criteria provided, single submitter. Criteria: Invitae Variant Classification Sherloc (09022015). Collection method: clinical testing. Allele origin: germline.
Comment: This sequence change replaces glycine, which is neutral and non-polar, with serine, which is neutral and polar, at codon 757 of the CACNA2D2 protein (p.Gly757Ser). This variant is present in population databases (no rsID available, gnomAD 0.01%). This variant has not been reported in the literature in individuals affected with CACNA2D2-related conditions. ClinVar contains an entry for this variant (Variation ID: 1023051). Algorithms developed to predict the effect of missense changes on protein structure and function are either unavailable or do not agree on the potential impact of this missense change (SIFT: "Deleterious"; PolyPhen-2: "Probably Damaging"; Align-GVGD: "Class C0"). In summary, the available evidence is currently insufficient to determine the role of this variant in disease. Therefore, it has been classified as a Variant of Uncertain Significance.

NM_006030.4(CACNA2D2):c.2269G>A (p.Gly757Ser)

Genes: CACNA2D2 (calcium voltage-gated channel auxiliary subunit alpha2delta 2; minus strand), LOC127898564 (CYB561D2-LOC101928965; plus strand), LOC101928965 (uncharacterized LOC101928965; plus strand). Cytogenetic location: 3p21.31.
Variant type: single nucleotide variant.
Coding change: c.2269G>A on transcript NM_006030.4 (MANE Select); coding-DNA position 2269, G replaced by A.
Protein change: p.Gly757Ser; replaces glycine 757 with serine.
Molecular consequence: missense variant.
Genome position (GRCh38, 1-based): chr3:50,367,670, C>T on the plus strand (G>A on the coding strand, the complement: CACNA2D2 is on the minus strand). VCF-style: chr3-50367670-C-T. GRCh37 (hg19) VCF-style: chr3-50405101-C-T.
Other names: c.2269G>A, p.Gly757Ser (NM_001005505.3); c.2290G>A, p.Gly764Ser (NM_001174051.3); c.2062G>A, p.Gly688Ser (NM_001291101.1); short protein forms G688S, G757S, G764S.
Identifiers: ClinVar variation 1023051 (VCV001023051.3), dbSNP rs906863087, ClinGen allele CA74608051.